The following is an entry in ClinVar:

ClinVar aggregate classification (germline): Likely pathogenic (1 of 4 stars; one submission).

Conditions:
Hereditary spastic paraplegia 56. Also called: SPASTIC PARAPLEGIA 56, AUTOSOMAL RECESSIVE, WITH OR WITHOUT PSEUDOXANTHOMA ELASTICUM; Spastic paraplegia 56, autosomal recessive; Spastic Paraplegia 56. Identifiers: Orphanet 320411, MedGen C3539507, MONDO:0014015, OMIM 615030.

Submission:

Juno Genomics, Hangzhou Juno Genomics, Inc
Classification: Likely pathogenic for Hereditary spastic paraplegia 56. Review status: criteria provided, single submitter. Criteria: ACMG Guidelines, 2015. Collection method: clinical testing. Allele origin: germline.
Comment: Absent from controls (or at extremely low frequency if recessive) in Genome Aggregation Database.;Null variant in a gene where loss of function (LOF) is a known mechanism of disease.

NM_183075.3(CYP2U1):c.1302_1303del (p.Thr435fs)

Gene: CYP2U1 (cytochrome P450 family 2 subfamily U member 1; plus strand). Cytogenetic location: 4q25.
Variant type: Microsatellite.
Coding change: c.1302_1303del on transcript NM_183075.3 (MANE Select); coding-DNA positions 1302 to 1303, 2 bases deleted (TA; older notation c.1302_1303delTA).
Protein change: p.Thr435fs; shifts the reading frame from threonine 435.
Molecular consequence: frameshift variant.
Genome position (GRCh38, 1-based): chr4:107,949,363-107,949,364, TA deleted; deleting any 2 consecutive bases within chr4:107,949,361-107,949,364 gives the same sequence; the c. name uses the placement nearest the transcript's 3' end. VCF-style (leftmost placement, unchanged base first): chr4-107949360-GTA-G. GRCh37 (hg19) VCF-style: chr4-108870516-GTA-G.
Other names: short protein forms T435fs.
Identifiers: ClinVar variation 5019679 (VCV005019679.2).